The following is an entry in ClinVar:

NM_000059.4(BRCA2):c.7971A>C (p.Lys2657Asn)

Gene: BRCA2 (BRCA2 DNA repair associated; plus strand). Cytogenetic location: 13q13.1.
Variant type: single nucleotide variant.
Coding change: c.7971A>C on transcript NM_000059.4 (MANE Select); coding-DNA position 7971, A replaced by C.
Protein change: p.Lys2657Asn; replaces lysine 2657 with asparagine.
Molecular consequence: missense variant.
Genome position (GRCh38, 1-based): chr13:32,362,688, A>C. VCF-style: chr13-32362688-A-C. GRCh37 (hg19) VCF-style: chr13-32936825-A-C.
Other names: short protein forms K2657N.
Identifiers: ClinVar variation 433820 (VCV000433820.17), dbSNP rs863224312, ClinGen allele CA387747340.

ClinVar aggregate classification (germline): Uncertain significance. Review status: criteria provided, multiple submitters, no conflicts (2 of 4 stars). 7 submissions from 7 submitters: Uncertain significance (6). 1 of the submissions does not count toward it. Last evaluated 2025-09-24.

Conditions:
Breast-ovarian cancer, familial, susceptibility to, 2 (BROVCA2). Also called: BRCA2 Hereditary Breast and Ovarian Cancer. Identifiers: Orphanet 145, MedGen C2675520, MONDO:0012933, OMIM 612555. Disease mechanism: loss of function.
Hereditary cancer-predisposing syndrome. Also called: Hereditary neoplastic syndrome; Tumor predisposition; Neoplastic Syndromes, Hereditary; Hereditary Cancer Syndrome. Identifiers: Orphanet 140162, MedGen C0027672, MeSH D009386, MONDO:0015356.
Hereditary breast ovarian cancer syndrome. Also called: BRCA1- and BRCA2-Associated Hereditary Breast and Ovarian Cancer; Hereditary breast and/or ovarian cancer syndrome; Hereditary breast and ovarian cancer; Hereditary breast and ovarian cancer syndrome; Hereditary breast and ovarian cancer syndrome (HBOC); Breast and ovarian cancer. Identifiers: Orphanet 145, MedGen C0677776, MeSH D061325, MONDO:0003582. Disease mechanism: loss of function.

Allele frequency attached by ClinVar (database versions not stated): TOPMed below 0.00001; gnomAD 0.00001.
gnomAD v4.1: 1 of 1,614,064 alleles (0.000062%); highest among the groups gnomAD compares: East Asian, 0.0022%; no homozygotes.

Submissions (7):

Labcorp Genetics (formerly Invitae), Labcorp
Classification: Uncertain significance for Hereditary breast ovarian cancer syndrome. Last evaluated: 2025-09-24. Review status: criteria provided, single submitter. Criteria: Invitae Variant Classification Sherloc (09022015). Collection method: clinical testing. Allele origin: germline.
Comment: This sequence change replaces lysine, which is basic and polar, with asparagine, which is neutral and polar, at codon 2657 of the BRCA2 protein (p.Lys2657Asn). This variant is not present in population databases (gnomAD no frequency). This missense change has been observed in individual(s) with breast and/or ovarian cancer (PMID: 29470806). ClinVar contains an entry for this variant (Variation ID: 433820). Invitae Evidence Modeling of protein sequence and biophysical properties (such as structural, functional, and spatial information, amino acid conservation, physicochemical variation, residue mobility, and thermodynamic stability) indicates that this missense variant is not expected to disrupt BRCA2 protein function with a negative predictive value of 95%. In summary, the available evidence is currently insufficient to determine the role of this variant in disease. Therefore, it has been classified as a Variant of Uncertain Significance.

Ambry Genetics
Classification: Uncertain significance for Hereditary cancer-predisposing syndrome. Last evaluated: 2024-09-18. Review status: criteria provided, single submitter. Criteria: Ambry Variant Classification Scheme 2023. Collection method: clinical testing. Allele origin: germline.
Comment: The p.K2657N variant (also known as c.7971A>C), located in coding exon 16 of the BRCA2 gene, results from an A to C substitution at nucleotide position 7971. The lysine at codon 2657 is replaced by asparagine, an amino acid with similar properties. This variant was observed in a study of 1010 unrelated Indian patients who underwent testing for an indication of breast and/or ovarian cancers (Singh J et al. Breast Cancer Res Treat, 2018 Jul;170:189-196). Another variant at the same codon, p.K2657T (c.7970A>C), has been detected in individuals with ovarian, breast and/or pancreatic cancer (Ambry internal data). This amino acid position is highly conserved in available vertebrate species. In addition, the in silico prediction for this alteration is inconclusive. Based on the available evidence, the clinical significance of this variant remains unclear.

Mayo Clinic Laboratories, Mayo Clinic
Classification: Uncertain significance. Last evaluated: 2024-06-10. Review status: criteria provided, single submitter. Criteria: ACMG Guidelines, 2015. Collection method: clinical testing. Allele origin: germline. Observed: 1 variant allele.
Comment: PM2

GeneDx
Classification: Uncertain significance. Last evaluated: 2022-06-02. Review status: criteria provided, single submitter. Criteria: GeneDx Variant Classification Process June 2021. Collection method: clinical testing. Allele origin: germline. Affected: yes.
Comment: Observed in an individual with breast and/or ovarian cancer (Singh 2018); In silico analysis supports that this missense variant does not alter protein structure/function; Not observed at significant frequency in large population cohorts (gnomAD); Also known as 8199A>C; This variant is associated with the following publications: (PMID: 29470806, 12228710)

Color Diagnostics, LLC DBA Color Health
Classification: Uncertain significance for Hereditary cancer-predisposing syndrome. Last evaluated: 2019-09-24. Review status: criteria provided, single submitter. Criteria: ACMG Guidelines, 2015. Collection method: clinical testing. Allele origin: germline.
Comment: This missense variant replaces lysine with asparagine at codon 2657 of the BRCA2 protein. Computational prediction tools and conservation analyses are inconclusive regarding the impact of this variant on protein structure and function. Splice site prediction tools suggest that this variant may not impact RNA splicing. To our knowledge, functional studies have not been performed for this variant. This variant has not been reported in individuals affected with hereditary cancer in the literature. This variant has not been identified in the general population by the Genome Aggregation Database (gnomAD). The available evidence is insufficient to determine the role of this variant in disease conclusively. Therefore, this variant is classified as a Variant of Uncertain Significance.

Neuberg Centre For Genomic Medicine, NCGM
Classification: Uncertain significance for Breast-ovarian cancer, familial, susceptibility to, 2. Review status: criteria provided, single submitter. Criteria: ACMG Guidelines, 2015. Collection method: clinical testing. Allele origin: germline. Inheritance: Autosomal dominant inheritance. Affected: yes.
Comment: The missense variant in c.7971A>C(p.Lys2657Asn) in BRCA2 gene has not been reported previously as a pathogenic variant nor as a benign variant, to our knowledge. The p.Lys2657Asn variant is novel (not in any individuals) in gnomAD Exomes and 1000 Genomes. This variant has been reported to the ClinVar database as Variant of Uncertain Significance (VUS). The amino acid Lys at position 2657 is changed to a Asn changing protein sequence and it might alter its composition and physico-chemical properties. For these reasons, this variant has been classified as Uncertain Significance (VUS).

Department of Pathology and Laboratory Medicine, Sinai Health System
Classification: Uncertain significance for Breast-ovarian cancer, familial, susceptibility to, 2. Review status: no assertion criteria provided. Collection method: clinical testing. Allele origin: unknown. Affected: yes. Study: The Canadian Open Genetics Repository (COGR). Not counted in ClinVar's aggregate classification.
Comment: The BRCA2 p.Lys2657Asn variant was not identified in the literature nor was it identified in dbSNP, 1000 Genomes Project, NHLBI Exome Sequencing Project (Exome Variant Server), Exome Aggregation Consortium (ExAC) database, Clinvitae database, LOVD, ARUP Laboratories BRCA Mutations Database, COSMIC, the ClinVar database, GeneInsight COGR database, the BIC database and BRCA Share. The p.Lys2657 residue is conserved in mammals and computational analyses (PolyPhen-2, SIFT, AlignGVGD, BLOSUM, MutationTaster) provide inconsistent predictions regarding the impact to the protein. The variant occurs outside of the splicing consensus sequence and 2 of 5 in silico or computational prediction software programs (SpliceSiteFinder, MaxEntScan, NNSPLICE, GeneSplicer, HumanSpliceFinder) predict a greater than 10% difference in splicing. In summary, based on the above information, the clinical significance of this variant cannot be determined with certainty at this time. This variant is classified as a variant of unknown significance.

Literature cited by the submitters: PubMed 29470806 (cited by Labcorp Genetics (formerly Invitae), Labcorp and Ambry Genetics).